The following is an entry in ClinVar:

NM_001364905.1(LRBA):c.5732T>C (p.Ile1911Thr)

Gene: LRBA (LPS responsive beige-like anchor protein; minus strand). Cytogenetic location: 4q31.3.
Variant type: single nucleotide variant.
Coding change: c.5732T>C on transcript NM_001364905.1 (MANE Select); coding-DNA position 5732, T replaced by C.
Protein change: p.Ile1911Thr; replaces isoleucine 1911 with threonine.
Molecular consequence: missense variant.
Genome position (GRCh38, 1-based): chr4:150,735,280, A>G on the plus strand (T>C on the coding strand, the complement: LRBA is on the minus strand). VCF-style: chr4-150735280-A-G. GRCh37 (hg19) VCF-style: chr4-151656432-A-G.
Other names: c.5732T>C, p.Ile1911Thr (NM_001199282.3, NM_001367550.1, NM_006726.5); short protein forms I1911T.
Identifiers: ClinVar variation 2079072 (VCV002079072.5), dbSNP rs753357058, ClinGen allele CA3102385.
Genomic context (GRCh38, chr4:150,735,280, plus strand): 5'-ACGGTAACTTCCGCACACCAACCATATGTGTAACCTACCTCAAATTCCGCATGTCTGTGA[A>G]TATCTTCTGCTCTCTGCCTGCTCAGGATAAATTCAGCTTCATTTGCTACTCTTACTAGAT-3'
Protein context (NP_001351834.1, residues 1901-1921): FILSRQRAED[Ile1911Thr]HRHAEFESLC

ClinVar aggregate classification (germline): Uncertain significance. Review status: criteria provided, multiple submitters, no conflicts (2 of 4 stars). 2 submissions from 2 submitters: Uncertain significance (2). Last evaluated 2025-10-30.

Conditions:
Inborn genetic diseases. Identifiers: MedGen C0950123, MeSH D030342.
Combined immunodeficiency due to LRBA deficiency. Also called: Common variable immunodeficiency 8, with autoimmunity. Identifiers: Orphanet 445018, MedGen C3553512, MONDO:0013863, OMIM 614700.

Allele frequency attached by ClinVar (database versions not stated): gnomAD exomes below 0.00001; ExAC 0.00001; TOPMed 0.00002.
gnomAD v4.1: 6 of 1,613,544 alleles (0.00037%); highest among the groups gnomAD compares: Non-Finnish European, 0.00051%; no homozygotes.

Submissions (2):

Ambry Genetics
Classification: Uncertain significance for Inborn genetic diseases. Last evaluated: 2025-10-30. Review status: criteria provided, single submitter. Criteria: Ambry Variant Classification Scheme 2023. Collection method: clinical testing. Allele origin: germline.

Labcorp Genetics (formerly Invitae), Labcorp
Classification: Uncertain significance for Combined immunodeficiency due to LRBA deficiency. Last evaluated: 2024-12-03. Review status: criteria provided, single submitter. Criteria: Invitae Variant Classification Sherloc (09022015). Collection method: clinical testing. Allele origin: germline.
Comment: This sequence change replaces isoleucine, which is neutral and non-polar, with threonine, which is neutral and polar, at codon 1911 of the LRBA protein (p.Ile1911Thr). This variant is present in population databases (rs753357058, gnomAD 0.0009%). This variant has not been reported in the literature in individuals affected with LRBA-related conditions. ClinVar contains an entry for this variant (Variation ID: 2079072). Invitae Evidence Modeling of protein sequence and biophysical properties (such as structural, functional, and spatial information, amino acid conservation, physicochemical variation, residue mobility, and thermodynamic stability) indicates that this missense variant is not expected to disrupt LRBA protein function with a negative predictive value of 80%. In summary, the available evidence is currently insufficient to determine the role of this variant in disease. Therefore, it has been classified as a Variant of Uncertain Significance.